The following is an entry in ClinVar:

NM_138386.3(NAF1):c.1151G>A (p.Arg384Gln)

Gene: NAF1 (nuclear assembly factor 1 ribonucleoprotein; minus strand). Cytogenetic location: 4q32.2.
Variant type: single nucleotide variant.
Coding change: c.1151G>A on transcript NM_138386.3 (MANE Select); coding-DNA position 1151, G replaced by A.
Protein change: p.Arg384Gln; replaces arginine 384 with glutamine.
Molecular consequence: missense variant. On other transcripts: intron variant (1).
Genome position (GRCh38, 1-based): chr4:163,129,231, C>T on the plus strand (G>A on the coding strand, the complement: NAF1 is on the minus strand). VCF-style: chr4-163129231-C-T. GRCh37 (hg19) VCF-style: chr4-164050383-C-T.
Other names: c.1034-2116G>A (NM_001128931.2); short protein forms R384Q.
Identifiers: ClinVar variation 2202736 (VCV002202736.4), dbSNP rs780065690, ClinGen allele CA3126155.

ClinVar aggregate classification (germline): Uncertain significance (1 of 4 stars; one submission).

Allele frequency attached by ClinVar (database versions not stated): TOPMed 0.00003; gnomAD 0.00004; ExAC 0.00006; gnomAD exomes 0.00008.
gnomAD v4.1: 127 of 1,613,660 alleles (0.0079%); highest among the groups gnomAD compares: Middle Eastern, 0.033%; no homozygotes.

Submission:

Labcorp Genetics (formerly Invitae), Labcorp
Classification: Uncertain significance. Last evaluated: 2025-02-10. Review status: criteria provided, single submitter. Criteria: Invitae Variant Classification Sherloc (09022015). Collection method: clinical testing. Allele origin: germline.
Comment: This sequence change replaces arginine, which is basic and polar, with glutamine, which is neutral and polar, at codon 384 of the NAF1 protein (p.Arg384Gln). This variant is present in population databases (rs780065690, gnomAD 0.04%). This variant has not been reported in the literature in individuals affected with NAF1-related conditions. ClinVar contains an entry for this variant (Variation ID: 2202736). An algorithm developed to predict the effect of missense changes on protein structure and function outputs the following: PolyPhen-2: "Benign". The glutamine amino acid residue is found in multiple mammalian species, which suggests that this missense change does not adversely affect protein function. In summary, the available evidence is currently insufficient to determine the role of this variant in disease. Therefore, it has been classified as a Variant of Uncertain Significance.